The following is an entry in ClinVar:

ClinVar aggregate classification (germline): Pathogenic (1 of 4 stars; one submission).

Conditions:
Familial cancer of breast. Also called: hereditary breast carcinoma; BREAST CANCER, FAMILIAL; Hereditary breast cancer. Identifiers: Orphanet 227535, MedGen C0346153, MONDO:0016419, OMIM 114480. Disease mechanism: loss of function.

Submission:

Labcorp Genetics (formerly Invitae), Labcorp
Classification: Pathogenic for Familial cancer of breast. Last evaluated: 2024-04-22. Review status: criteria provided, single submitter. Criteria: Invitae Variant Classification Sherloc (09022015). Collection method: clinical testing. Allele origin: germline.
Comment: This sequence change creates a premature translational stop signal (p.Thr43*) in the CHEK2 gene. It is expected to result in an absent or disrupted protein product. Loss-of-function variants in CHEK2 are known to be pathogenic (PMID: 21876083, 24713400). This variant is not present in population databases (gnomAD no frequency). This variant has not been reported in the literature in individuals affected with CHEK2-related conditions. ClinVar contains an entry for this variant (Variation ID: 2124523). For these reasons, this variant has been classified as Pathogenic.

Literature cited by the submitters: PubMed 21876083; PubMed 24713400.

NM_007194.4(CHEK2):c.126_127insTG (p.Thr43Ter)

Gene: CHEK2 (checkpoint kinase 2; minus strand). Cytogenetic location: 22q12.1.
Variant type: Insertion.
Coding change: c.126_127insTG on transcript NM_007194.4 (MANE Select); coding-DNA positions 126 to 127, TG inserted.
Protein change: p.Thr43Ter; replaces threonine 43 with a stop codon.
Molecular consequence: nonsense. On other transcripts: frameshift variant (3).
Genome position: GRCh38 VCF-style: chr22-28734595-T-TCA. GRCh37 (hg19) VCF-style: chr22-29130583-T-TCA.
Other names: c.126_127insTG, p.Thr43Terfs (NM_001349956.3, NM_145862.3, NM_001005735.3); c.-652_-651insTG (NM_001257387.3); short protein forms T43*.
Identifiers: ClinVar variation 2124523 (VCV002124523.4), dbSNP rs2518132619, ClinGen allele CA2580099441.